The following is an entry in ClinVar:

NM_000038.6(APC):c.7397C>A (p.Ser2466Tyr)

Gene: APC (APC regulator of WNT signaling pathway; plus strand). Cytogenetic location: 5q22.2.
Variant type: single nucleotide variant.
Coding change: c.7397C>A on transcript NM_000038.6 (MANE Select); coding-DNA position 7397, C replaced by A.
Protein change: p.Ser2466Tyr; replaces serine 2466 with tyrosine.
Molecular consequence: missense variant.
Genome position (GRCh38, 1-based): chr5:112,842,991, C>A. VCF-style: chr5-112842991-C-A. GRCh37 (hg19) VCF-style: chr5-112178688-C-A.
Other names: c.7397C>A, p.Ser2466Tyr (NM_001127510.3, NM_001354895.2); c.7343C>A, p.Ser2448Tyr (NM_001127511.3); c.7451C>A, p.Ser2484Tyr (NM_001354896.2); c.7427C>A, p.Ser2476Tyr (NM_001354897.2); c.7322C>A, p.Ser2441Tyr (NM_001354898.2); c.7313C>A, p.Ser2438Tyr (NM_001354899.2); c.7274C>A, p.Ser2425Tyr (NM_001354900.2); c.7220C>A, p.Ser2407Tyr (NM_001354901.2); and 5 more; short protein forms S2183Y, S2306Y, S2340Y, S2365Y, S2375Y, S2407Y, S2425Y, S2438Y.
Identifiers: ClinVar variation 1316515 (VCV001316515.2), dbSNP rs765669629, ClinGen allele CA16037440.

ClinVar aggregate classification (germline): Uncertain significance (1 of 4 stars; one submission).

Submission:

GeneDx
Classification: Uncertain significance. Last evaluated: 2019-11-01. Review status: criteria provided, single submitter. Criteria: GeneDx Variant Classification Process June 2021. Collection method: clinical testing. Allele origin: germline. Affected: yes.
Comment: Not observed in large population cohorts (Lek 2016); In silico analysis, which includes protein predictors and evolutionary conservation, supports that this variant does not alter protein structure/function; Has not been previously published as pathogenic or benign to our knowledge